The following is an entry in ClinVar:

NM_020949.3(SLC7A14):c.1408G>A (p.Gly470Arg)

Genes: SLC7A14 (solute carrier family 7 member 14; minus strand), SLC7A14-AS1 (SLC7A14 antisense RNA 1; plus strand). Cytogenetic location: 3q26.2.
Variant type: single nucleotide variant.
Coding change: c.1408G>A on transcript NM_020949.3 (MANE Select); coding-DNA position 1408, G replaced by A.
Protein change: p.Gly470Arg; replaces glycine 470 with arginine.
Molecular consequence: missense variant.
Genome position (GRCh38, 1-based): chr3:170,480,874, C>T on the plus strand (G>A on the coding strand, the complement: SLC7A14 is on the minus strand). VCF-style: chr3-170480874-C-T. GRCh37 (hg19) VCF-style: chr3-170198663-C-T.
Other names: short protein forms G470R.
Identifiers: ClinVar variation 1897161 (VCV001897161.5), dbSNP rs1194517708, ClinGen allele CA355490361.

ClinVar aggregate classification (germline): Uncertain significance (1 of 4 stars; one submission).

Allele frequency attached by ClinVar (database versions not stated): gnomAD exomes below 0.00001; TOPMed below 0.00001.
gnomAD v4.1: 2 of 1,614,044 alleles (0.00012%); highest among the groups gnomAD compares: Admixed American, 0.0033%; no homozygotes.

Submission:

Labcorp Genetics (formerly Invitae), Labcorp
Classification: Uncertain significance. Last evaluated: 2021-12-29. Review status: criteria provided, single submitter. Criteria: Invitae Variant Classification Sherloc (09022015). Collection method: clinical testing. Allele origin: germline.
Comment: This variant has not been reported in the literature in individuals affected with SLC7A14-related conditions. This variant is present in population databases (no rsID available, gnomAD 0.003%). This sequence change replaces glycine, which is neutral and non-polar, with arginine, which is basic and polar, at codon 470 of the SLC7A14 protein (p.Gly470Arg). Algorithms developed to predict the effect of missense changes on protein structure and function (SIFT, PolyPhen-2, Align-GVGD) all suggest that this variant is likely to be tolerated. In summary, the available evidence is currently insufficient to determine the role of this variant in disease. Therefore, it has been classified as a Variant of Uncertain Significance.